The following is an entry in ClinVar:

NM_001110556.2(FLNA):c.1953C>G (p.Ser651Arg)

Gene: FLNA (filamin A; minus strand). Cytogenetic location: Xq28.
Variant type: single nucleotide variant.
Coding change: c.1953C>G on transcript NM_001110556.2 (MANE Select); coding-DNA position 1953, C replaced by G.
Protein change: p.Ser651Arg; replaces serine 651 with arginine.
Molecular consequence: missense variant.
Genome position (GRCh38, 1-based): chrX:154,364,595, G>C on the plus strand (C>G on the coding strand, the complement: FLNA is on the minus strand). VCF-style: chrX-154364595-G-C. GRCh37 (hg19) VCF-style: chrX-153592963-G-C.
Other names: c.1953C>G, p.Ser651Arg (NM_001456.4); short protein forms S651R.
Identifiers: ClinVar variation 4789597 (VCV004789597.1).

ClinVar aggregate classification (germline): Uncertain significance (1 of 4 stars; one submission).

Conditions:
Heterotopia, periventricular, X-linked dominant (PVNH1). Also called: PERIVENTRICULAR NODULAR HETEROTOPIA 4; HETEROTOPIA, PERIVENTRICULAR, 1; PERIVENTRICULAR NODULAR HETEROTOPIA 1; X-linked periventricular heterotopia. Identifiers: Orphanet 2149, Orphanet 82004, MedGen C1848213, MONDO:0010233, OMIM 300049.
Oto-palato-digital syndrome, type II (OPD2). Also called: Otopalatodigital Syndrome, Type II; FACIOPALATOOSSEOUS SYNDROME; OPD II SYNDROME; Otopalatodigital Syndrome Type 2 (FLNA-OPD2). Identifiers: Orphanet 669, Orphanet 90652, MedGen C1844696, MONDO:0010571, OMIM 304120.
Melnick-Needles syndrome (MNS). Also called: MELNICK-NEEDLES OSTEODYSPLASTY; OSTEODYSPLASTY OF MELNICK AND NEEDLES; Melnick-Needles Syndrome (FLNA-MNS). Identifiers: Orphanet 2484, MedGen C0025237, MONDO:0010650, OMIM 309350.
Frontometaphyseal dysplasia (FMD1). Identifiers: Orphanet 1826, MedGen C0265293, MONDO:0015942.

Submission:

Labcorp Genetics (formerly Invitae), Labcorp
Classification: Uncertain significance for Oto-palato-digital syndrome, type II; Heterotopia, periventricular, X-linked dominant; Frontometaphyseal dysplasia; Melnick-Needles syndrome. Last evaluated: 2025-07-18. Review status: criteria provided, single submitter. Criteria: Invitae Variant Classification Sherloc (09022015). Collection method: clinical testing. Allele origin: germline.
Comment: This sequence change replaces serine, which is neutral and polar, with arginine, which is basic and polar, at codon 651 of the FLNA protein (p.Ser651Arg). This variant is not present in population databases (gnomAD no frequency). This variant has not been reported in the literature in individuals affected with FLNA-related conditions. Invitae Evidence Modeling of protein sequence and biophysical properties (such as structural, functional, and spatial information, amino acid conservation, physicochemical variation, residue mobility, and thermodynamic stability) indicates that this missense variant is not expected to disrupt FLNA protein function with a negative predictive value of 95%. In summary, the available evidence is currently insufficient to determine the role of this variant in disease. Therefore, it has been classified as a Variant of Uncertain Significance.